The following is an entry in ClinVar:

NM_000212.3(ITGB3):c.911A>G (p.Asp304Gly)

Gene: ITGB3 (integrin subunit beta 3; plus strand). Cytogenetic location: 17q21.32.
Variant type: single nucleotide variant.
Coding change: c.911A>G on transcript NM_000212.3 (MANE Select); coding-DNA position 911, A replaced by G.
Protein change: p.Asp304Gly; replaces aspartic acid 304 with glycine.
Molecular consequence: missense variant.
Genome position (GRCh38, 1-based): chr17:47,287,203, A>G. VCF-style: chr17-47287203-A-G. GRCh37 (hg19) VCF-style: chr17-45364569-A-G.
Other names: short protein forms D304G.
Identifiers: ClinVar variation 4751499 (VCV004751499.2).
Genomic context (GRCh38, chr17:47,287,203, plus strand): 5'-TGGACGGAAGGCTGGCAGGCATTGTCCAGCCTAATGACGGGCAGTGTCATGTTGGTAGTG[A>G]CAATCATTACTCTGCCTCCACTACCATGGTGAGATCTCTGGCACCACCTATGGTTTCTAT-3'
Protein context (NP_000203.2, residues 294-314): PNDGQCHVGS[Asp304Gly]NHYSASTTMD

ClinVar aggregate classification (germline): Uncertain significance. Review status: criteria provided, multiple submitters, no conflicts (2 of 4 stars). 2 submissions from 2 submitters: Uncertain significance (2). Last evaluated 2026-05-19.

Conditions:
Inborn genetic diseases. Identifiers: MedGen C0950123, MeSH D030342.

gnomAD v4.1: 1 of 1,613,938 alleles (0.000062%); highest among the groups gnomAD compares: African/African-American, 0.0013%; no homozygotes.

Submissions (2):

Ambry Genetics
Classification: Uncertain significance for Inborn genetic diseases. Last evaluated: 2026-05-19. Review status: criteria provided, single submitter. Criteria: Ambry Variant Classification Scheme 2023. Collection method: clinical testing. Allele origin: germline.

Labcorp Genetics (formerly Invitae), Labcorp
Classification: Uncertain significance. Last evaluated: 2025-04-13. Review status: criteria provided, single submitter. Criteria: Invitae Variant Classification Sherloc (09022015). Collection method: clinical testing. Allele origin: germline.
Comment: This sequence change replaces aspartic acid, which is acidic and polar, with glycine, which is neutral and non-polar, at codon 304 of the ITGB3 protein (p.Asp304Gly). This variant is not present in population databases (gnomAD no frequency). This variant has not been reported in the literature in individuals affected with ITGB3-related conditions. Invitae Evidence Modeling of protein sequence and biophysical properties (such as structural, functional, and spatial information, amino acid conservation, physicochemical variation, residue mobility, and thermodynamic stability) indicates that this missense variant is not expected to disrupt ITGB3 protein function with a negative predictive value of 80%. In summary, the available evidence is currently insufficient to determine the role of this variant in disease. Therefore, it has been classified as a Variant of Uncertain Significance.